The following is an entry in ClinVar:

NM_001330260.2(SCN8A):c.2486_2489delinsCCATTA (p.Leu829fs)

Gene: SCN8A (sodium voltage-gated channel alpha subunit 8; plus strand). Cytogenetic location: 12q13.13.
Variant type: Indel.
Coding change: c.2486_2489delinsCCATTA on transcript NM_001330260.2 (MANE Select); coding-DNA positions 2486 to 2489, TAAT replaced by CCATTA.
Protein change: p.Leu829fs; shifts the reading frame from leucine 829.
Molecular consequence: frameshift variant.
Genome position (GRCh38, 1-based): chr12:51,762,618-51,762,621, TAAT replaced by CCATTA. VCF-style: chr12-51762618-TAAT-CCATTA. GRCh37 (hg19) VCF-style: chr12-52156402-TAAT-CCATTA.
Other names: c.2486_2489delinsCCATTA, p.Leu829fs (NM_001177984.3, NM_001369788.1, NM_014191.4); short protein forms L829fs.
Identifiers: ClinVar variation 645039 (VCV000645039.7), dbSNP rs1592148206, ClinGen allele CA915948395.

ClinVar aggregate classification (germline): Pathogenic (1 of 4 stars; one submission).

Conditions:
Early-infantile DEE. Also called: Early infantile epileptic encephalopathy with suppression bursts; Early infantile epileptic encephalopathy; Ohtahara syndrome. Identifiers: Orphanet 1934, MedGen C0393706, MONDO:0800491.

Submission:

Labcorp Genetics (formerly Invitae), Labcorp
Classification: Pathogenic for Early-infantile DEE. Last evaluated: 2022-07-25. Review status: criteria provided, single submitter. Criteria: Invitae Variant Classification Sherloc (09022015). Collection method: clinical testing. Allele origin: germline.
Comment: This sequence change creates a premature translational stop signal (p.Leu829Serfs*5) in the SCN8A gene. It is expected to result in an absent or disrupted protein product. Loss-of-function variants in SCN8A are known to be pathogenic (PMID: 19254928, 32651551). For these reasons, this variant has been classified as Pathogenic. Algorithms developed to predict the effect of missense changes on protein structure and function are either unavailable or do not agree on the potential impact of this missense change (SIFT: "Deleterious"; PolyPhen-2: "Probably Damaging"; Align-GVGD: "Class C0"). This variant has not been reported in the literature in individuals affected with SCN8A-related conditions. This variant is not present in population databases (gnomAD no frequency).

Literature cited by the submitters: PubMed 19254928; PubMed 32651551.